The following is an entry in ClinVar:

ClinVar aggregate classification (germline): Benign. Review status: criteria provided, single submitter (1 of 4 stars). 2 submissions from 2 submitters: Benign (1). 1 of the submissions does not count toward it. Last evaluated 2019-02-24.

Allele frequency attached by ClinVar (database versions not stated): 1000 Genomes Project 0.04832; 1000 Genomes Project 30x 0.04934; TOPMed 0.05471; gnomAD 0.05740 and 0.05798.
gnomAD v4.1: 8,754 of 152,176 alleles (5.8%); highest among the groups gnomAD compares: Non-Finnish European, 6.6%; 275 homozygotes.

Submissions (2):

GeneDx
Classification: Benign. Last evaluated: 2019-02-24. Review status: criteria provided, single submitter. Criteria: GeneDx Variant Classification Process June 2021. Collection method: clinical testing. Allele origin: germline. Affected: yes.

Leiden Open Variation Database
Classification: Likely benign. Last evaluated: 2012-08-31. Review status: no assertion criteria provided. Collection method: curation. Allele origin: germline. Affected: yes. Not counted in ClinVar's aggregate classification.
Comment: Curator: Arleen D. Auerbach. Submitter to LOVD: Janine Bakker.

Literature cited by the submitters: PubMed 22911665 (cited by Leiden Open Variation Database).

NM_032444.4(SLX4):c.4637-227C>T

Gene: SLX4 (SLX4 structure-specific endonuclease subunit; minus strand). Cytogenetic location: 16p13.3.
Variant type: single nucleotide variant.
Coding change: c.4637-227C>T on transcript NM_032444.4 (MANE Select); 227 bases into the intron before coding-DNA position 4637, C replaced by T.
Molecular consequence: intron variant.
Genome position (GRCh38, 1-based): chr16:3,585,098, G>A on the plus strand (C>T on the coding strand, the complement: SLX4 is on the minus strand). VCF-style: chr16-3585098-G-A. GRCh37 (hg19) VCF-style: chr16-3635099-G-A.
Identifiers: ClinVar variation 929609 (VCV000929609.3), dbSNP rs75693937, ClinGen allele CA14291876.